The following is an entry in ClinVar:

NM_000257.4(MYH7):c.4975G>A (p.Asp1659Asn)

Genes: MHRT (myosin heavy chain associated RNA transcript; plus strand), MYH7 (myosin heavy chain 7; minus strand), LOC126861897 (BRD4-independent group 4 enhancer GRCh37_chr14:23884455-23885654; plus strand). Cytogenetic location: 14q11.2.
Variant type: single nucleotide variant.
Coding change: c.4975G>A on transcript NM_000257.4 (MANE Select); coding-DNA position 4975, G replaced by A.
Protein change: p.Asp1659Asn; replaces aspartic acid 1659 with asparagine.
Molecular consequence: missense variant. On other transcripts: non-coding transcript variant (1).
Genome position (GRCh38, 1-based): chr14:23,415,811, C>T on the plus strand (G>A on the coding strand, the complement: MYH7 is on the minus strand). VCF-style: chr14-23415811-C-T. GRCh37 (hg19) VCF-style: chr14-23885020-C-T.
Other names: short protein forms D1659N.
Identifiers: ClinVar variation 79511 (VCV000079511.12), dbSNP rs267603953, ClinGen allele CA044566.

ClinVar aggregate classification (germline): Uncertain significance. Review status: criteria provided, multiple submitters, no conflicts (2 of 4 stars). 4 submissions from 4 submitters: Uncertain significance (4). Last evaluated 2025-08-06.

Conditions:
Cardiomyopathy (CMYO). Also called: Cardiomyopathies. Identifiers: Orphanet 167848, MedGen C0878544, MONDO:0004994, HP:0001638. Inheritance: Various modes of inheritance.
Cardiovascular phenotype. Identifiers: MedGen CN230736.
Hypertrophic cardiomyopathy. Also called: HYPERTROPHIC MYOCARDIOPATHY. Identifiers: Orphanet 217569, MedGen C0007194, MeSH D002312, MONDO:0005045, HP:0001639.

Allele frequency attached by ClinVar (database versions not stated): ExAC 0.00001; gnomAD exomes 0.00001.
gnomAD v4.1: 11 of 1,614,218 alleles (0.00068%); highest among the groups gnomAD compares: African/African-American, 0.004%; no homozygotes.

Submissions (4):

Labcorp Genetics (formerly Invitae), Labcorp
Classification: Uncertain significance for Hypertrophic cardiomyopathy. Last evaluated: 2025-08-06. Review status: criteria provided, single submitter. Criteria: Invitae Variant Classification Sherloc (09022015). Collection method: clinical testing. Allele origin: germline.
Comment: This sequence change replaces aspartic acid, which is acidic and polar, with asparagine, which is neutral and polar, at codon 1659 of the MYH7 protein (p.Asp1659Asn). This variant is present in population databases (rs267603953, gnomAD 0.002%). This variant has not been reported in the literature in individuals affected with MYH7-related conditions. ClinVar contains an entry for this variant (Variation ID: 79511). Invitae Evidence Modeling of protein sequence and biophysical properties (such as structural, functional, and spatial information, amino acid conservation, physicochemical variation, residue mobility, and thermodynamic stability) indicates that this missense variant is expected to disrupt MYH7 protein function with a positive predictive value of 95%. In summary, the available evidence is currently insufficient to determine the role of this variant in disease. Therefore, it has been classified as a Variant of Uncertain Significance.

All of Us Research Program, National Institutes of Health
Classification: Uncertain significance for Cardiomyopathy. Last evaluated: 2024-03-05. Review status: criteria provided, single submitter. Criteria: ACMG Guidelines, 2015. Collection method: clinical testing. Allele origin: germline. Inheritance: Autosomal dominant inheritance. Observed: 2 variant alleles, 2 heterozygotes.
Comment: This missense variant replaces aspartic acid with asparagine at codon 1659 of the MYH7 protein. Computational prediction is inconclusive regarding the impact of this variant on protein structure and function (internally defined REVEL score threshold 0.5 < inconclusive < 0.7, PMID: 27666373). To our knowledge, functional studies have not been reported for this variant. This variant has not been reported in individuals affected with MYH7-related disorders in the literature. This variant has been identified in 2/251416 chromosomes in the general population by the Genome Aggregation Database (gnomAD). The available evidence is insufficient to determine the role of this variant in disease conclusively. Therefore, this variant is classified as a Variant of Uncertain Significance.

This study involves interpretation of variants in research participants for the purpose of population health screening. Participant phenotype was not available at the time of variant classification. Additional details can be found in publication PMID: 35346344, PMCID: PMC8962531

Athena Diagnostics
Classification: Uncertain significance. Last evaluated: 2024-01-31. Review status: criteria provided, single submitter. Criteria: Athena Diagnostics Criteria. Collection method: clinical testing. Allele origin: unknown.
Comment: Available data are insufficient to determine the clinical significance of the variant at this time. The frequency of this variant in the general population is uninformative in assessment of its pathogenicity. Computational tools predict that this variant is damaging.

Ambry Genetics
Classification: Uncertain significance for Cardiovascular phenotype. Last evaluated: 2022-08-09. Review status: criteria provided, single submitter. Criteria: Ambry Variant Classification Scheme 2023. Collection method: clinical testing. Allele origin: germline.

Literature cited by the submitters: PubMed 27247418 (cited by Athena Diagnostics).